The following is an entry in ClinVar:

ClinVar aggregate classification (germline): Likely benign. Review status: criteria provided, multiple submitters, no conflicts (2 of 4 stars). 4 submissions from 3 submitters: Likely benign (4). Last evaluated 2023-11-08.

Conditions:
Retinitis pigmentosa 39 (RP39). Identifiers: Orphanet 791, MedGen C3151138, MONDO:0013436, OMIM 613809.
Usher syndrome type 2A. Also called: RETINAL DISEASE IN USHER SYNDROME TYPE IIA, MODIFIER OF; USHER SYNDROME, TYPE IIA. Identifiers: Orphanet 231178, Orphanet 886, MedGen C1848634, MONDO:0010169, OMIM 276901.

Allele frequency attached by ClinVar (database versions not stated): gnomAD exomes below 0.00001; TOPMed below 0.00001.
gnomAD v4.1: 18 of 1,614,108 alleles (0.0011%); highest among the groups gnomAD compares: African/African-American, 0.0027%; no homozygotes.

Submissions (4):

Labcorp Genetics (formerly Invitae), Labcorp
Classification: Likely benign. Last evaluated: 2023-11-08. Review status: criteria provided, single submitter. Criteria: Invitae Variant Classification Sherloc (09022015). Collection method: clinical testing. Allele origin: germline.

Genome-Nilou Lab
Classification: Likely benign for Retinitis pigmentosa 39. Last evaluated: 2023-11-04. Review status: criteria provided, single submitter. Criteria: ACMG Guidelines, 2015. Collection method: clinical testing. Allele origin: germline. Affected: no.

Genome-Nilou Lab
Classification: Likely benign for Usher syndrome type 2A. Last evaluated: 2023-11-04. Review status: criteria provided, single submitter. Criteria: ACMG Guidelines, 2015. Collection method: clinical testing. Allele origin: germline. Affected: no.

Laboratory for Molecular Medicine, Mass General Brigham Personalized Medicine
Classification: Likely benign. Last evaluated: 2019-11-06. Review status: criteria provided, single submitter. Criteria: LMM Criteria. Collection method: clinical testing. Allele origin: germline. Observed: 1 variant allele.
Comment: The p.Ala3583Ala variant in USH2A is classified as likely benign because it does not alter an amino acid residue, it is not located within the splice consensus sequence, and splice prediction algorithms do not predict a newly created splice site. ACMG/AMP Criteria applied: BP4, BP7.

NM_206933.4(USH2A):c.10749A>C (p.Ala3583=)

Gene: USH2A (usherin; minus strand). Cytogenetic location: 1q41.
Variant type: single nucleotide variant.
Coding change: c.10749A>C on transcript NM_206933.4 (MANE Select); coding-DNA position 10749, A replaced by C.
Protein change: p.Ala3583=; no amino-acid change (alanine 3583 retained).
Molecular consequence: synonymous variant.
Genome position (GRCh38, 1-based): chr1:215,780,033, T>G on the plus strand (A>C on the coding strand, the complement: USH2A is on the minus strand). VCF-style: chr1-215780033-T-G. GRCh37 (hg19) VCF-style: chr1-215953375-T-G.
Identifiers: ClinVar variation 930060 (VCV000930060.12), dbSNP rs747834026, ClinGen allele CA423313043.